The following is an entry in ClinVar:

ClinVar aggregate classification (germline): Uncertain significance (1 of 4 stars; one submission).

Submission:

CeGaT Center for Human Genetics Tuebingen
Classification: Uncertain significance. Last evaluated: 2024-12-01. Review status: criteria provided, single submitter. Criteria: CeGaT Center For Human Genetics Tuebingen Variant Classification Criteria Version 2. Collection method: clinical testing. Allele origin: germline. Affected: yes. Observed: 1 variant allele.
Comment: GIGYF1: PM2

NM_001375765.1(GIGYF1):c.1213_1214dup (p.Leu405_Ser406insTer)

Gene: GIGYF1 (GRB10 interacting GYF protein 1; minus strand). Cytogenetic location: 7q22.1.
Variant type: Duplication.
Coding change: c.1213_1214dup on transcript NM_001375765.1 (MANE Select); coding-DNA positions 1213 to 1214, 2 bases duplicated (CT; older notation c.1213_1214dupCT).
Protein change: p.Leu405_Ser406insTer.
Molecular consequence: frameshift variant. On other transcripts: non-coding transcript variant (1).
Genome position (GRCh38, 1-based): chr7:100,685,125-100,685,126, AG duplicated on the plus strand (CT on the coding strand, the reverse complement: GIGYF1 is on the minus strand). VCF-style (leftmost placement, unchanged base first): chr7-100685124-C-CAG. GRCh37 (hg19) VCF-style: chr7-100282747-C-CAG.
Other names: c.1213_1214dup, p.Leu405_Ser406insTer (NM_001375759.1, NM_001375760.1, NM_001375761.1 and 6 more transcripts).
Identifiers: ClinVar variation 3772056 (VCV003772056.13).
Genomic context (GRCh38, chr7:100,685,124, plus strand): 5'-CAAGCCTTCATCATCCTCCAGATCTCCGGGTGGGCCAGCAGAGGAGCCCACCCCGGGACT[C>CAG]AGCTGGATCCCCCGAATATCATCTGGAAGGCATGAGATAGGAGGTGGAAAGAAGGGCGGG-3'